The following is an entry in ClinVar:

NM_001267550.2(TTN):c.72826del (p.Thr24276fs)

Genes: TTN (titin; minus strand), TTN-AS1 (TTN antisense RNA 1; plus strand). Cytogenetic location: 2q31.2.
Variant type: Deletion.
Coding change: c.72826del on transcript NM_001267550.2 (MANE Select); coding-DNA position 72826, one base deleted (A; older notation c.72826delA).
Protein change: p.Thr24276fs; shifts the reading frame from threonine 24276.
Molecular consequence: frameshift variant.
Genome position (GRCh38, 1-based): chr2:178,573,306, T deleted on the plus strand (A on the coding strand, the reverse complement: TTN is on the minus strand); the first of 7 consecutive T bases (chr2:178,573,306-178,573,312); deleting any one gives the same sequence. VCF-style (leftmost placement, unchanged base first): chr2-178573305-GT-G. GRCh37 (hg19) VCF-style: chr2-179438032-GT-G.
Other names: c.65122del, p.Thr21708fs (NM_133378.4); c.46006del, p.Thr15336fs (NM_133432.3); c.46207del, p.Thr15403fs (NM_133437.4); c.67903del, p.Thr22635fs (NM_001256850.1); c.45631del, p.Thr15211fs (NM_003319.4); c.72826_72826delA (NM_001267550.2); short protein forms T15336fs, T15211fs, T15403fs, T22635fs, T24276fs, T21708fs.
Identifiers: ClinVar variation 520485 (VCV000520485.10), dbSNP rs971618751, ClinGen allele CA658796037.
Genomic context (GRCh38, chr2:178,573,305, plus strand): 5'-CTGAACTCATATTCATGTCCTTCTGTCAGTCCAGACACTTTATATCTTAAATCAGTAAGA[GT>G]TTTTTTGTTGCATTTAATCCAGCGTTGGCCAGCTTTATCACGCCGTTCCACAATATAATT-3'

ClinVar aggregate classification (germline): Pathogenic/Likely pathogenic. Review status: criteria provided, multiple submitters, no conflicts (2 of 4 stars). 4 submissions from 4 submitters: Pathogenic (1); Likely pathogenic (2). 1 of the submissions does not count toward it. Last evaluated 2026-04-01.

Conditions:
Autosomal recessive limb-girdle muscular dystrophy type 2J (LGMDR10). Also called: Limb-girdle muscular dystrophy, type 2J; MUSCULAR DYSTROPHY, LIMB-GIRDLE, AUTOSOMAL RECESSIVE 10. Identifiers: Orphanet 140922, MedGen C1837342, MONDO:0012127, OMIM 608807.
Dilated cardiomyopathy 1G (CMD1G). Identifiers: Orphanet 154, MedGen C1858763, MONDO:0011400, OMIM 604145.
Cardiomyopathy (CMYO). Also called: Cardiomyopathies. Identifiers: Orphanet 167848, MedGen C0878544, MONDO:0004994, HP:0001638. Inheritance: Various modes of inheritance.
Cardiovascular phenotype. Identifiers: MedGen CN230736.

Submissions (4):

Molecular Diagnostic Laboratory for Inherited Cardiovascular Disease, Montreal Heart Institute
Classification: Pathogenic for Cardiovascular phenotype. Last evaluated: 2026-04-01. Review status: criteria provided, single submitter. Criteria: ACMG Guidelines, 2015. Collection method: clinical testing. Allele origin: germline. Affected: yes.
Comment: PVS1, PS4_supp, PM2, PP1

Labcorp Genetics (formerly Invitae), Labcorp
Classification: Likely pathogenic for Dilated cardiomyopathy 1G; Autosomal recessive limb-girdle muscular dystrophy type 2J. Last evaluated: 2024-07-30. Review status: criteria provided, single submitter. Criteria: Invitae Variant Classification Sherloc (09022015). Collection method: clinical testing. Allele origin: germline.
Comment: This sequence change creates a premature translational stop signal (p.Thr24276Leufs*5) in the TTN gene. While this is not anticipated to result in nonsense mediated decay, it is expected to create a truncated TTN protein. This variant is not present in population databases (gnomAD no frequency). This variant has not been reported in the literature in individuals affected with TTN-related conditions. ClinVar contains an entry for this variant (Variation ID: 520485). This variant is located in the A band of TTN (PMID: 25589632). Truncating variants in this region are significantly overrepresented in patients affected with dilated cardiomyopathy (PMID: 25589632). Truncating variants in this region have also been reported in individuals affected with autosomal recessive centronuclear myopathy (PMID: 23975875). In summary, the currently available evidence indicates that the variant is pathogenic, but additional data are needed to prove that conclusively. Therefore, this variant has been classified as Likely Pathogenic.

CHEO Genetics Diagnostic Laboratory, Children's Hospital of Eastern Ontario
Classification: Likely pathogenic for Cardiomyopathy. Last evaluated: 2022-02-11. Review status: criteria provided, single submitter. Criteria: ACMG Guidelines, 2015. Collection method: clinical testing. Allele origin: germline.

Cardiogenetics and Myogenetics Molecular and Cellular Functional Unit, Aphp Sorbonne University-Hopital Pitie Salpetriere
Classification: Likely pathogenic for Dilated cardiomyopathy 1G. Last evaluated: 2024-01-06. Review status: no assertion criteria provided. Collection method: clinical testing. Allele origin: germline. Affected: yes. Not counted in ClinVar's aggregate classification.

Literature cited by the submitters: PubMed 25589632 (cited by Labcorp Genetics (formerly Invitae), Labcorp); PubMed 23975875 (cited by Labcorp Genetics (formerly Invitae), Labcorp).